The following is an entry in ClinVar:

NM_032888.4(COL27A1):c.1567G>C (p.Val523Leu)

Gene: COL27A1 (collagen type XXVII alpha 1 chain; plus strand). Cytogenetic location: 9q32.
Variant type: single nucleotide variant.
Coding change: c.1567G>C on transcript NM_032888.4 (MANE Select); coding-DNA position 1567, G replaced by C.
Protein change: p.Val523Leu; replaces valine 523 with leucine.
Molecular consequence: missense variant.
Genome position (GRCh38, 1-based): chr9:114,169,122, G>C. VCF-style: chr9-114169122-G-C. GRCh37 (hg19) VCF-style: chr9-116931402-G-C.
Other names: short protein forms V523L.
Identifiers: ClinVar variation 1367502 (VCV001367502.5), dbSNP rs143993841, ClinGen allele CA5201419.

ClinVar aggregate classification (germline): Uncertain significance (1 of 4 stars; one submission).

gnomAD v4.1: 25 of 1,613,950 alleles (0.0015%); highest among the groups gnomAD compares: African/African-American, 0.031%; no homozygotes.

Submission:

Labcorp Genetics (formerly Invitae), Labcorp
Classification: Uncertain significance. Last evaluated: 2022-08-22. Review status: criteria provided, single submitter. Criteria: Invitae Variant Classification Sherloc (09022015). Collection method: clinical testing. Allele origin: germline.
Comment: This sequence change replaces valine, which is neutral and non-polar, with leucine, which is neutral and non-polar, at codon 523 of the COL27A1 protein (p.Val523Leu). This variant is present in population databases (rs143993841, gnomAD 0.04%). This variant has not been reported in the literature in individuals affected with COL27A1-related conditions. ClinVar contains an entry for this variant (Variation ID: 1367502). Advanced modeling of protein sequence and biophysical properties (such as structural, functional, and spatial information, amino acid conservation, physicochemical variation, residue mobility, and thermodynamic stability) performed at Invitae indicates that this missense variant is not expected to disrupt COL27A1 protein function. In summary, the available evidence is currently insufficient to determine the role of this variant in disease. Therefore, it has been classified as a Variant of Uncertain Significance.